The following is an entry in ClinVar:

ClinVar aggregate classification (germline): Pathogenic (1 of 4 stars; one submission).

Conditions:
Primary ciliary dyskinesia. Also called: Ciliary dyskinesia. Identifiers: Orphanet 244, MedGen C0008780, MONDO:0016575, HP:0012265.

Submission:

Labcorp Genetics (formerly Invitae), Labcorp
Classification: Pathogenic for Primary ciliary dyskinesia. Last evaluated: 2023-07-29. Review status: criteria provided, single submitter. Criteria: Invitae Variant Classification Sherloc (09022015). Collection method: clinical testing. Allele origin: germline.
Comment: This sequence change creates a premature translational stop signal (p.Leu127*) in the DNAI1 gene. It is expected to result in an absent or disrupted protein product. Loss-of-function variants in DNAI1 are known to be pathogenic (PMID: 16858015, 29363216). This variant is not present in population databases (gnomAD no frequency). This variant has not been reported in the literature in individuals affected with DNAI1-related conditions. For these reasons, this variant has been classified as Pathogenic.

Literature cited by the submitters: PubMed 16858015; PubMed 29363216.

NM_012144.4(DNAI1):c.380T>A (p.Leu127Ter)

Gene: DNAI1 (dynein axonemal intermediate chain 1; plus strand). Cytogenetic location: 9p13.3.
Variant type: single nucleotide variant.
Coding change: c.380T>A on transcript NM_012144.4 (MANE Select); coding-DNA position 380, T replaced by A.
Protein change: p.Leu127Ter; replaces leucine 127 with a stop codon.
Molecular consequence: nonsense.
Genome position (GRCh38, 1-based): chr9:34,489,441, T>A. VCF-style: chr9-34489441-T-A. GRCh37 (hg19) VCF-style: chr9-34489439-T-A.
Other names: c.380T>A, p.Leu127Ter (NM_001281428.2); short protein forms L127*.
Identifiers: ClinVar variation 2748166 (VCV002748166.3), dbSNP rs2492032587, ClinGen allele CA373245241.